The following is an entry in ClinVar:

NM_001735.3(C5):c.676C>T (p.His226Tyr)

Gene: C5 (complement C5; minus strand). Cytogenetic location: 9q33.2.
Variant type: single nucleotide variant.
Coding change: c.676C>T on transcript NM_001735.3 (MANE Select); coding-DNA position 676, C replaced by T.
Protein change: p.His226Tyr; replaces histidine 226 with tyrosine.
Molecular consequence: missense variant.
Genome position (GRCh38, 1-based): chr9:121,030,479, G>A on the plus strand (C>T on the coding strand, the complement: C5 is on the minus strand). VCF-style: chr9-121030479-G-A. GRCh37 (hg19) VCF-style: chr9-123792757-G-A.
Other names: c.694C>T, p.His232Tyr (NM_001317163.2); c.676C>T, p.His226Tyr (NM_001317164.2); short protein forms H226Y, H232Y.
Identifiers: ClinVar variation 2106846 (VCV002106846.1), dbSNP rs1455718594, ClinGen allele CA374757195.
Genomic context (GRCh38, chr9:121,030,479, plus strand): 5'-AATTCTTAAAGTTCTTGTAACCAATGAAATTATATTCTGGCTCGATTGAGACAGAAAAAT[G>A]TGGCAAGACTGAAAATAAAAACAAACAGGTAATATTACCATTTTGATTAGAGCAGACTTT-3'
Protein context (NP_001726.2, residues 216-236): YFEVKEYVLP[His226Tyr]FSVSIEPEYN

ClinVar aggregate classification (germline): Uncertain significance (1 of 4 stars; one submission).

Allele frequency attached by ClinVar (database versions not stated): gnomAD 0.00001; TOPMed 0.00001.

Submission:

Labcorp Genetics (formerly Invitae), Labcorp
Classification: Uncertain significance. Last evaluated: 2022-03-04. Review status: criteria provided, single submitter. Criteria: Invitae Variant Classification Sherloc (09022015). Collection method: clinical testing. Allele origin: germline.
Comment: This sequence change replaces histidine, which is basic and polar, with tyrosine, which is neutral and polar, at codon 226 of the C5 protein (p.His226Tyr). This variant is present in population databases (no rsID available, gnomAD 0.005%). This variant has not been reported in the literature in individuals affected with C5-related conditions. Algorithms developed to predict the effect of missense changes on protein structure and function (SIFT, PolyPhen-2, Align-GVGD) all suggest that this variant is likely to be tolerated. In summary, the available evidence is currently insufficient to determine the role of this variant in disease. Therefore, it has been classified as a Variant of Uncertain Significance.